The following is an entry in ClinVar:

ClinVar aggregate classification (germline): Uncertain significance. Review status: criteria provided, multiple submitters, no conflicts (2 of 4 stars). 2 submissions from 2 submitters: Uncertain significance (2). Last evaluated 2025-12-10.

Conditions:
Cardiovascular phenotype. Identifiers: MedGen CN230736.

Submissions (2):

Ambry Genetics
Classification: Uncertain significance for Cardiovascular phenotype. Last evaluated: 2025-12-10. Review status: criteria provided, single submitter. Criteria: Ambry Variant Classification Scheme 2023. Collection method: clinical testing. Allele origin: germline.
Comment: The p.R202S variant (also known as c.604C>A), located in coding exon 1 of the CHST14 gene, results from a C to A substitution at nucleotide position 604. The arginine at codon 202 is replaced by serine, an amino acid with dissimilar properties. This amino acid position is conserved. In addition, this alteration is predicted to be deleterious by in silico analysis. Based on the available evidence, the clinical significance of this variant remains unclear.

GeneDx
Classification: Uncertain significance. Last evaluated: 2024-12-10. Review status: criteria provided, single submitter. Criteria: GeneDx Variant Classification Process June 2021. Collection method: clinical testing. Allele origin: germline. Affected: yes.
Comment: Not observed at significant frequency in large population cohorts (gnomAD); In silico analysis supports that this missense variant has a deleterious effect on protein structure/function; Has not been previously published as pathogenic or benign to our knowledge

NM_130468.4(CHST14):c.604C>A (p.Arg202Ser)

Gene: CHST14 (carbohydrate sulfotransferase 14; plus strand). Cytogenetic location: 15q15.1.
Variant type: single nucleotide variant.
Coding change: c.604C>A on transcript NM_130468.4 (MANE Select); coding-DNA position 604, C replaced by A.
Protein change: p.Arg202Ser; replaces arginine 202 with serine.
Molecular consequence: missense variant.
Genome position (GRCh38, 1-based): chr15:40,471,817, C>A. VCF-style: chr15-40471817-C-A. GRCh37 (hg19) VCF-style: chr15-40764016-C-A.
Other names: short protein forms R202S.
Identifiers: ClinVar variation 3903190 (VCV003903190.2).